The following is an entry in ClinVar:

NM_000057.4(BLM):c.1525C>A (p.Pro509Thr)

Gene: BLM (BLM RecQ like helicase; plus strand). Cytogenetic location: 15q26.1.
Variant type: single nucleotide variant.
Coding change: c.1525C>A on transcript NM_000057.4 (MANE Select); coding-DNA position 1525, C replaced by A.
Protein change: p.Pro509Thr; replaces proline 509 with threonine.
Molecular consequence: missense variant.
Genome position (GRCh38, 1-based): chr15:90,760,898, C>A. VCF-style: chr15-90760898-C-A. GRCh37 (hg19) VCF-style: chr15-91304128-C-A.
Other names: c.1525C>A, p.Pro509Thr (NM_001287246.2, NM_001287247.2); c.400C>A, p.Pro134Thr (NM_001287248.2); short protein forms P134T, P509T.
Identifiers: ClinVar variation 1774514 (VCV001774514.7), dbSNP rs771610207, ClinGen allele CA7738552.

ClinVar aggregate classification (germline): Uncertain significance. Review status: criteria provided, multiple submitters, no conflicts (2 of 4 stars). 2 submissions from 2 submitters: Uncertain significance (2). Last evaluated 2024-09-12.

Conditions:
Hereditary cancer-predisposing syndrome. Also called: Hereditary Cancer Syndrome; Hereditary neoplastic syndrome; Neoplastic Syndromes, Hereditary; Tumor predisposition. Identifiers: Orphanet 140162, MedGen C0027672, MeSH D009386, MONDO:0015356.
Bloom syndrome (BLM). Also called: Bloom-Torre-Machacek syndrome. Identifiers: Orphanet 125, MedGen C0005859, MONDO:0008876, OMIM 210900.

Allele frequency attached by ClinVar (database versions not stated): ExAC 0.00002.
gnomAD v4.1: 2 of 1,613,854 alleles (0.00012%); highest among the groups gnomAD compares: Admixed American, 0.0033%; no homozygotes.

Submissions (2):

Labcorp Genetics (formerly Invitae), Labcorp
Classification: Uncertain significance for Bloom syndrome. Last evaluated: 2024-09-12. Review status: criteria provided, single submitter. Criteria: Invitae Variant Classification Sherloc (09022015). Collection method: clinical testing. Allele origin: germline.
Comment: This sequence change replaces proline, which is neutral and non-polar, with threonine, which is neutral and polar, at codon 509 of the BLM protein (p.Pro509Thr). This variant is present in population databases (rs771610207, gnomAD 0.006%). This variant has not been reported in the literature in individuals affected with BLM-related conditions. ClinVar contains an entry for this variant (Variation ID: 1774514). Invitae Evidence Modeling of protein sequence and biophysical properties (such as structural, functional, and spatial information, amino acid conservation, physicochemical variation, residue mobility, and thermodynamic stability) indicates that this missense variant is not expected to disrupt BLM protein function with a negative predictive value of 80%. In summary, the available evidence is currently insufficient to determine the role of this variant in disease. Therefore, it has been classified as a Variant of Uncertain Significance.

Ambry Genetics
Classification: Uncertain significance for Hereditary cancer-predisposing syndrome. Last evaluated: 2024-06-24. Review status: criteria provided, single submitter. Criteria: Ambry Variant Classification Scheme 2023. Collection method: clinical testing. Allele origin: germline.
Comment: The p.P509T variant (also known as c.1525C>A), located in coding exon 6 of the BLM gene, results from a C to A substitution at nucleotide position 1525. The proline at codon 509 is replaced by threonine, an amino acid with highly similar properties. This amino acid position is not well conserved in available vertebrate species. In addition, this alteration is predicted to be tolerated by in silico analysis. Since supporting evidence is limited at this time, the clinical significance of this alteration remains unclear.